The following is an entry in ClinVar:

ClinVar aggregate classification (germline): Uncertain significance (1 of 4 stars; one submission).

Submission:

Labcorp Genetics (formerly Invitae), Labcorp
Classification: Uncertain significance. Last evaluated: 2024-05-22. Review status: criteria provided, single submitter. Criteria: Invitae Variant Classification Sherloc (09022015). Collection method: clinical testing. Allele origin: germline.
Comment: This sequence change replaces proline, which is neutral and non-polar, with arginine, which is basic and polar, at codon 1882 of the SNRNP200 protein (p.Pro1882Arg). This variant is not present in population databases (gnomAD no frequency). This variant has not been reported in the literature in individuals affected with SNRNP200-related conditions. Advanced modeling of protein sequence and biophysical properties (such as structural, functional, and spatial information, amino acid conservation, physicochemical variation, residue mobility, and thermodynamic stability) performed at Invitae indicates that this missense variant is not expected to disrupt SNRNP200 protein function with a negative predictive value of 80%. In summary, the available evidence is currently insufficient to determine the role of this variant in disease. Therefore, it has been classified as a Variant of Uncertain Significance.

NM_014014.5(SNRNP200):c.5645C>G (p.Pro1882Arg)

Gene: SNRNP200 (small nuclear ribonucleoprotein U5 subunit 200; minus strand). Cytogenetic location: 2q11.2.
Variant type: single nucleotide variant.
Coding change: c.5645C>G on transcript NM_014014.5 (MANE Select); coding-DNA position 5645, C replaced by G.
Protein change: p.Pro1882Arg; replaces proline 1882 with arginine.
Molecular consequence: missense variant.
Genome position (GRCh38, 1-based): chr2:96,277,916, G>C on the plus strand (C>G on the coding strand, the complement: SNRNP200 is on the minus strand). VCF-style: chr2-96277916-G-C. GRCh37 (hg19) VCF-style: chr2-96943654-G-C.
Other names: short protein forms P1882R.
Identifiers: ClinVar variation 3652536 (VCV003652536.2).